The following is an entry in ClinVar:

NM_000257.4(MYH7):c.200A>C (p.Lys67Thr)

Gene: MYH7 (myosin heavy chain 7; minus strand). Cytogenetic location: 14q11.2.
Variant type: single nucleotide variant.
Coding change: c.200A>C on transcript NM_000257.4 (MANE Select); coding-DNA position 200, A replaced by C.
Protein change: p.Lys67Thr; replaces lysine 67 with threonine.
Molecular consequence: missense variant.
Genome position (GRCh38, 1-based): chr14:23,433,533, T>G on the plus strand (A>C on the coding strand, the complement: MYH7 is on the minus strand). VCF-style: chr14-23433533-T-G. GRCh37 (hg19) VCF-style: chr14-23902742-T-G.
Other names: c.200A>C (NM_000257.3); short protein forms K67T.
Identifiers: ClinVar variation 1465859 (VCV001465859.6), dbSNP rs2138686446, ClinGen allele CA389053579.

ClinVar aggregate classification (germline): Uncertain significance. Review status: criteria provided, multiple submitters, no conflicts (2 of 4 stars). 2 submissions from 2 submitters: Uncertain significance (2). Last evaluated 2023-03-28.

Conditions:
Hypertrophic cardiomyopathy. Also called: HYPERTROPHIC MYOCARDIOPATHY. Identifiers: Orphanet 217569, MedGen C0007194, MeSH D002312, MONDO:0005045, HP:0001639.

Submissions (2):

Women's Health and Genetics/Laboratory Corporation of America, LabCorp
Classification: Uncertain significance. Last evaluated: 2023-03-28. Review status: criteria provided, single submitter. Criteria: LabCorp Variant Classification Summary - May 2015. Collection method: clinical testing. Allele origin: germline.
Comment: Variant summary: MYH7 c.200A>C (p.Lys67Thr) results in a non-conservative amino acid change in the encoded protein sequence. Three of five in-silico tools predict a damaging effect of the variant on protein function. The variant was absent in 251206 control chromosomes (gnomAD). The available data on variant occurrences in the general population are insufficient to allow any conclusion about variant significance. To our knowledge, no occurrence of c.200A>C in individuals affected with Cardiomyopathy and no experimental evidence demonstrating its impact on protein function have been reported. One clinical diagnostic laboratory has submitted clinical-significance assessments for this variant to ClinVar after 2014 without evidence for independent evaluation and classified the variant as uncertain significance. Based on the evidence outlined above, the variant was classified as uncertain significance.

Labcorp Genetics (formerly Invitae), Labcorp
Classification: Uncertain significance for Hypertrophic cardiomyopathy. Last evaluated: 2021-11-05. Review status: criteria provided, single submitter. Criteria: Invitae Variant Classification Sherloc (09022015). Collection method: clinical testing. Allele origin: germline.
Comment: This sequence change replaces lysine, which is basic and polar, with threonine, which is neutral and polar, at codon 67 of the MYH7 protein (p.Lys67Thr). This variant is not present in population databases (gnomAD no frequency). This variant has not been reported in the literature in individuals affected with MYH7-related conditions. Algorithms developed to predict the effect of missense changes on protein structure and function are either unavailable or do not agree on the potential impact of this missense change (SIFT: "Deleterious"; PolyPhen-2: "Benign"; Align-GVGD: "Class C0"). In summary, the available evidence is currently insufficient to determine the role of this variant in disease. Therefore, it has been classified as a Variant of Uncertain Significance.